The following is an entry in ClinVar:

ClinVar aggregate classification (germline): Uncertain significance (1 of 4 stars; one submission).

Conditions:
BMP4-related disorder. Also called: BMP4-related condition.

Submission:

PreventionGenetics, part of Exact Sciences
Classification: Uncertain significance for BMP4-related condition. Last evaluated: 2025-07-08. Review status: criteria provided, single submitter. Criteria: ACMG Guidelines, 2015. Collection method: clinical testing. Allele origin: germline.
Comment: The BMP4 c.-369G>T variant is located in the 5' untranslated region. This variant is predicted to result in a missense variant, c.35G>T, p.(Arg12Met), in an alternate transcript, NM_001347912; however, in the majority of the transcripts, including the primary transcript (NM_001202), this variant is located in the pre-coding region. To our knowledge, this variant has not been reported in the literature or in a large population database (gnomAD), indicating this variant is rare. At this time, the clinical significance of this variant is uncertain due to the absence of conclusive functional and genetic evidence.

NM_001202.6(BMP4):c.-369G>T

Genes: BMP4 (bone morphogenetic protein 4; minus strand), LOC109433677 (BMP4 promoter region; plus strand). Cytogenetic location: 14q22.2.
Variant type: single nucleotide variant.
Coding change: c.-369G>T on transcript NM_001202.6 (MANE Select); 369 bases upstream of the start codon, G replaced by T.
Molecular consequence: 5 prime UTR variant. On other transcripts: missense variant (1).
Genome position (GRCh38, 1-based): chr14:53,956,786, C>A on the plus strand (G>T on the coding strand, the complement: BMP4 is on the minus strand). VCF-style: chr14-53956786-C-A. GRCh37 (hg19) VCF-style: chr14-54423504-C-A.
Other names: c.35G>T, p.Arg12Met (NM_001347912.1); c.-505G>T (NM_001347913.2); c.-160G>T (NM_130850.5); short protein forms R12M.
Identifiers: ClinVar variation 4988458 (VCV004988458.1).
Genomic context (GRCh38, chr14:53,956,786, plus strand): 5'-GCTCGCGTCCCTCAGCTCGGATGCCACACTCACCTAGCTTCCGGGCCGGGCTCCGCGCTC[C>A]TTCCCTCCCTCCCTCCTCCTCTGCCTTCTCGCATCTTCCTTCCTCCTCTTTCCCTCCCTC-3'